The following is an entry in ClinVar:

NM_001042413.2(GLIS3):c.*5T>C

Gene: GLIS3 (GLIS family zinc finger 3; minus strand). Cytogenetic location: 9p24.2.
Variant type: single nucleotide variant.
Coding change: c.*5T>C on transcript NM_001042413.2 (MANE Select); 5 bases downstream of the stop codon, T replaced by C.
Molecular consequence: 3 prime UTR variant.
Genome position (GRCh38, 1-based): chr9:3,828,267, A>G on the plus strand (T>C on the coding strand, the complement: GLIS3 is on the minus strand). VCF-style: chr9-3828267-A-G. GRCh37 (hg19) VCF-style: chr9-3828267-A-G.
Other names: c.*5T>C (NM_152629.4).
Identifiers: ClinVar variation 3350400 (VCV003350400.1).
Genomic context (GRCh38, chr9:3,828,267, plus strand): 5'-TACGAAAACAAAAGGTGGCAAGCAACATCAAGGTCCTGGGTGTGCAGGAGTGGCCAAGAG[A>G]GCTTTTAGCCTTCGGTGTAGACAGAGGAGAGCTGGCTAGGACAGCGGTCCACGGTGCTGA-3'

ClinVar aggregate classification (germline): Likely benign (0 of 4 stars; one submission).

Conditions:
GLIS3-related disorder. Also called: GLIS3-related condition.

gnomAD v4.1: 46 of 1,613,926 alleles (0.0029%); highest among the groups gnomAD compares: African/African-American, 0.051%; no homozygotes.

Submission:

PreventionGenetics, part of Exact Sciences
Classification: Likely benign for GLIS3-related condition. Last evaluated: 2024-06-23. Review status: no assertion criteria provided. Collection method: clinical testing. Allele origin: germline.
Comment: This variant is classified as likely benign based on ACMG/AMP sequence variant interpretation guidelines (Richards et al. 2015 PMID: 25741868, with internal and published modifications).